The following is an entry in ClinVar:

ClinVar aggregate classification (germline): Likely benign. Review status: criteria provided, multiple submitters, no conflicts (2 of 4 stars). 2 submissions from 2 submitters: Likely benign (2). Last evaluated 2025-08-18.

Conditions:
Malignant hyperthermia, susceptibility to, 1 (MHS1). Also called: RYR1-Related Malignant Hyperthermia Susceptibility; Anesthesia related hyperthermia; Malignant hyperpyrexia; Fulminating hyperpyrexia; Pharmacogenic myopathy; Malignant hyperthermia suceptibility 1. Identifiers: Orphanet 423, MedGen C2930980, MONDO:0007783, OMIM 145600.
RYR1-related disorder. Also called: RYR1-related condition; RYR1-related disorders. Identifiers: MedGen CN239331.

Allele frequency attached by ClinVar (database versions not stated): gnomAD 0.00001 and 0.00002; gnomAD exomes 0.00001; TOPMed 0.00002.
gnomAD v4.1: 13 of 1,573,534 alleles (0.00083%); highest among the groups gnomAD compares: Admixed American, 0.0094%; no homozygotes.

Submissions (2):

Labcorp Genetics (formerly Invitae), Labcorp
Classification: Likely benign for RYR1-related disorder. Last evaluated: 2025-08-18. Review status: criteria provided, single submitter. Criteria: Invitae Variant Classification Sherloc (09022015). Collection method: clinical testing. Allele origin: germline.

All of Us Research Program, National Institutes of Health
Classification: Likely benign for Malignant hyperthermia, susceptibility to, 1. Last evaluated: 2023-02-24. Review status: criteria provided, single submitter. Criteria: ACMG Guidelines, 2015. Collection method: clinical testing. Allele origin: germline. Inheritance: Autosomal dominant inheritance. Observed: 1 variant allele, 1 heterozygote.
Comment: This study involves interpretation of variants in research participants for the purpose of population health screening. Participant phenotype was not available at the time of variant classification. Additional details can be found in publication PMID: 35346344, PMCID: PMC8962531

NM_000540.3(RYR1):c.2787-7C>T

Gene: RYR1 (ryanodine receptor 1; plus strand). Cytogenetic location: 19q13.2.
Variant type: single nucleotide variant.
Coding change: c.2787-7C>T on transcript NM_000540.3 (MANE Select); 7 bases into the intron before coding-DNA position 2787, C replaced by T.
Molecular consequence: intron variant.
Genome position (GRCh38, 1-based): chr19:38,464,632, C>T. VCF-style: chr19-38464632-C-T. GRCh37 (hg19) VCF-style: chr19-38955272-C-T.
Other names: c.2787-7C>T (NM_001042723.2).
Identifiers: ClinVar variation 544514 (VCV000544514.9), dbSNP rs1486816697, ClinGen allele CA632866077.
Genomic context (GRCh38, chr19:38,464,632, plus strand): 5'-CGTGGGAGGAGACGGGGCAGGGAGCTCTGAGGGGCGTGACCTGTCGCCTCCACTCCCCCA[C>T]CCCCAGGACTCTGCTGGCTCTGGGCTGCCACGTGGGCATGGCGGATGAGAAGGCGGAGGA-3'